The following is an entry in ClinVar:

NM_001077350.3(NPRL3):c.1255G>T (p.Glu419Ter)

Genes: HBA-LCR (alpha-globin locus control region; plus strand), NPRL3 (NPR3 like, GATOR1 complex subunit; minus strand). Cytogenetic location: 16p13.3.
Variant type: single nucleotide variant.
Coding change: c.1255G>T on transcript NM_001077350.3 (MANE Select); coding-DNA position 1255, G replaced by T.
Protein change: p.Glu419Ter; replaces glutamic acid 419 with a stop codon.
Molecular consequence: nonsense.
Genome position (GRCh38, 1-based): chr16:89,809, C>A on the plus strand (G>T on the coding strand, the complement: NPRL3 is on the minus strand). VCF-style: chr16-89809-C-A. GRCh37 (hg19) VCF-style: chr16-139807-C-A.
Other names: c.718G>T, p.Glu240Ter (NM_001039476.3); c.1021G>T, p.Glu341Ter (NM_001243247.2); c.1180G>T, p.Glu394Ter (NM_001243248.2, NM_001243249.2); short protein forms E240*, E341*, E419*, E394*.
Identifiers: ClinVar variation 2717284 (VCV002717284.3), dbSNP rs1183300636, ClinGen allele CA394051251.

ClinVar aggregate classification (germline): Pathogenic (1 of 4 stars; one submission).

Conditions:
Epilepsy, familial focal, with variable foci 3 (FFEVF3). Identifiers: MedGen C4310708, MONDO:0014925, OMIM 617118.

Submission:

Labcorp Genetics (formerly Invitae), Labcorp
Classification: Pathogenic for Epilepsy, familial focal, with variable foci 3. Last evaluated: 2023-06-16. Review status: criteria provided, single submitter. Criteria: Invitae Variant Classification Sherloc (09022015). Collection method: clinical testing. Allele origin: germline.
Comment: For these reasons, this variant has been classified as Pathogenic. This variant has not been reported in the literature in individuals affected with NPRL3-related conditions. This variant is not present in population databases (gnomAD no frequency). This sequence change creates a premature translational stop signal (p.Glu419*) in the NPRL3 gene. It is expected to result in an absent or disrupted protein product. Loss-of-function variants in NPRL3 are known to be pathogenic (PMID: 26285051, 26505888).

Literature cited by the submitters: PubMed 26285051; PubMed 26505888.